The following is an entry in ClinVar:

ClinVar aggregate classification (germline): Conflicting classifications of pathogenicity. Review status: criteria provided, conflicting classifications (1 of 4 stars). 3 submissions from 3 submitters: Uncertain significance (1); Likely benign (2). Last evaluated 2025-12-30.

Conditions:
PKHD1-related disorder. Also called: PKHD1-related condition.
Autosomal recessive polycystic kidney disease (ARPKD). Also called: AR polycystic kidney disease. Identifiers: Orphanet 731, Orphanet 8378, MedGen C0085548, MeSH D017044, MONDO:0009889.

Allele frequency attached by ClinVar (database versions not stated): gnomAD exomes 0.00001; ExAC 0.00002; gnomAD 0.00009; TOPMed 0.00009.
gnomAD v4.1: 29 of 1,613,800 alleles (0.0018%); highest among the groups gnomAD compares: African/African-American, 0.037%; no homozygotes.

Submissions (3):

PreventionGenetics, part of Exact Sciences
Classification: Likely benign for PKHD1-related condition. Last evaluated: 2025-12-30. Review status: criteria provided, single submitter. Criteria: ACMG Guidelines, 2015. Collection method: clinical testing. Allele origin: germline.
Comment: This variant is classified as likely benign based on ACMG/AMP sequence variant interpretation guidelines (Richards et al. 2015 PMID: 25741868, with internal and published modifications).

Labcorp Genetics (formerly Invitae), Labcorp
Classification: Likely benign for Autosomal recessive polycystic kidney disease. Last evaluated: 2024-02-13. Review status: criteria provided, single submitter. Criteria: Invitae Variant Classification Sherloc (09022015). Collection method: clinical testing. Allele origin: germline.

Eurofins Ntd Llc (ga)
Classification: Uncertain significance. Last evaluated: 2017-09-18. Review status: criteria provided, single submitter. Criteria: EGL Classification Definitions 2015. Collection method: clinical testing. Allele origin: germline. Observed: 1 variant allele, 1 heterozygote.

NM_138694.4(PKHD1):c.1512+9C>G

Gene: PKHD1 (PKHD1 ciliary IPT domain containing fibrocystin/polyductin; minus strand). Cytogenetic location: 6p12.2.
Variant type: single nucleotide variant.
Coding change: c.1512+9C>G on transcript NM_138694.4 (MANE Select); 9 bases into the intron after coding-DNA position 1512, C replaced by G.
Molecular consequence: intron variant.
Genome position (GRCh38, 1-based): chr6:52,058,314, G>C on the plus strand (C>G on the coding strand, the complement: PKHD1 is on the minus strand). VCF-style: chr6-52058314-G-C. GRCh37 (hg19) VCF-style: chr6-51923112-G-C.
Other names: c.1512+9C>G (NM_170724.3, NM_138694.3).
Identifiers: ClinVar variation 594122 (VCV000594122.14), dbSNP rs774440496, ClinGen allele CA3853543.